The following is an entry in ClinVar:

ClinVar aggregate classification (germline): Uncertain significance (0 of 4 stars; one submission).

Conditions:
SEMA3F-related disorder. Also called: SEMA3F-related condition.

Allele frequency attached by ClinVar (database versions not stated): gnomAD 0.00005; TOPMed 0.00005; ESP Exome Variant Server 0.00008; ExAC 0.00009; 1000 Genomes Project 0.00020; 1000 Genomes Project 30x 0.00031.

Submission:

PreventionGenetics, part of Exact Sciences
Classification: Uncertain significance for SEMA3F-related condition. Last evaluated: 2024-07-11. Review status: no assertion criteria provided. Collection method: clinical testing. Allele origin: germline.
Comment: The SEMA3F c.1460G>A variant is predicted to result in the amino acid substitution p.Arg487His. To our knowledge, this variant has not been reported in the literature. This variant is reported in 0.012% of alleles in individuals of European (Non-Finnish) descent in gnomAD. At this time, the clinical significance of this variant is uncertain due to the absence of conclusive functional and genetic evidence.

NM_004186.5(SEMA3F):c.1460G>A (p.Arg487His)

Gene: SEMA3F (semaphorin 3F; plus strand). Cytogenetic location: 3p21.31.
Variant type: single nucleotide variant.
Coding change: c.1460G>A on transcript NM_004186.5 (MANE Select); coding-DNA position 1460, G replaced by A.
Protein change: p.Arg487His; replaces arginine 487 with histidine.
Molecular consequence: missense variant.
Genome position (GRCh38, 1-based): chr3:50,185,446, G>A. VCF-style: chr3-50185446-G-A. GRCh37 (hg19) VCF-style: chr3-50222879-G-A.
Other names: c.1163G>A, p.Arg388His (NM_001318798.2); c.1367G>A, p.Arg456His (NM_001318800.2); short protein forms R388H, R456H, R487H.
Identifiers: ClinVar variation 3032787 (VCV003032787.2), dbSNP rs147680835, ClinGen allele CA2412124.